The following is an entry in ClinVar:

ClinVar aggregate classification (germline): Pathogenic (1 of 4 stars; one submission).

Conditions:
Neurodevelopmental disorder with dysmorphic facies and distal limb anomalies. Identifiers: Orphanet 686482, MedGen C4540327, MONDO:0060596, OMIM 617755.

Submission:

Variantyx, Inc.
Classification: Pathogenic for Neurodevelopmental disorder with dysmorphic facies and distal limb anomalies. Last evaluated: 2025-07-09. Review status: criteria provided, single submitter. Criteria: Variantyx Assertion Criteria 2022. Collection method: clinical testing. Allele origin: de novo. Inheritance: Autosomal dominant inheritance. Affected: yes.
Comment: This is a frameshift variant in the BPTF gene (OMIM: 601819). Pathogenic variants in this gene have been associated with autosomal dominant neurodevelopmental disorder with dysmorphic facies and distal limb anomalies. Thie alteration introduces a premature termination codon in exon 21 out of 28 and is expected to result in loss of function, which is a known disease mechanism for BPTF in this disorder (PMID: 28942966, 33522091) (PVS1). This variant is absent from control populations (PM2). Based on the current evidence, this variant is classified as pathogenic for autosomal dominant neurodevelopmental disorder with dysmorphic facies and distal limb anomalies.

Literature cited by the submitters: PubMed 28942966; PubMed 33522091.

NM_182641.4(BPTF):c.6859_6865dup (p.Ala2289fs)

Gene: BPTF (bromodomain PHD finger transcription factor; plus strand). Cytogenetic location: 17q24.2.
Variant type: Duplication.
Coding change: c.6859_6865dup on transcript NM_182641.4 (MANE Select); coding-DNA positions 6859 to 6865, 7 bases duplicated (TCCCCAG; older notation c.6859_6865dupTCCCCAG).
Protein change: p.Ala2289fs; shifts the reading frame from alanine 2289.
Molecular consequence: frameshift variant.
Genome position (GRCh38, 1-based): chr17:67,945,567-67,945,573, TCCCCAG duplicated; duplicating any 7 consecutive bases within chr17:67,945,561-67,945,573 gives the same sequence; the c. name uses the placement nearest the transcript's 3' end. VCF-style (leftmost placement, unchanged base first): chr17-67945560-G-GCCCCAGT. GRCh37 (hg19) VCF-style: chr17-65941676-G-GCCCCAGT.
Other names: c.7048_7054dup, p.Ala2352fs (NM_001439139.1, NM_001439143.1, NM_001439144.1); c.7237_7243dup, p.Ala2415fs (NM_001439140.1, NM_001439142.1, NM_004459.7); c.7210_7216dup, p.Ala2406fs (NM_001439141.1); short protein forms A2289fs, A2352fs, A2406fs, A2415fs.
Identifiers: ClinVar variation 4850722 (VCV004850722.1).